The following is an entry in ClinVar:

NM_007294.4(BRCA1):c.5224A>C (p.Asn1742His)

Gene: BRCA1 (BRCA1 DNA repair associated; minus strand). Cytogenetic location: 17q21.31.
Variant type: single nucleotide variant.
Coding change: c.5224A>C on transcript NM_007294.4 (MANE Select); coding-DNA position 5224, A replaced by C.
Protein change: p.Asn1742His; replaces asparagine 1742 with histidine.
Molecular consequence: missense variant. On other transcripts: non-coding transcript variant (1).
Genome position (GRCh38, 1-based): chr17:43,057,105, T>G on the plus strand (A>C on the coding strand, the complement: BRCA1 is on the minus strand). VCF-style: chr17-43057105-T-G. GRCh37 (hg19) VCF-style: chr17-41209122-T-G.
Other names: c.5011A>C, p.Asn1671His (NM_001407571.1, NM_001407900.1, NM_001407902.1 and 12 more transcripts); c.5290A>C, p.Asn1764His (NM_001407581.1, NM_001407582.1); c.5287A>C, p.Asn1763His (NM_001407583.1, NM_001407585.1, NM_001407587.1 and 1 more transcripts); c.5221A>C, p.Asn1741His (NM_001407610.1, NM_001407611.1, NM_001407612.1 and 17 more transcripts); c.5218A>C, p.Asn1740His (NM_001407629.1, NM_001407630.1, NM_001407631.1 and 14 more transcripts); c.5164A>C, p.Asn1722His (NM_001407649.1); c.5146A>C, p.Asn1716His (NM_001407652.1, NM_001407653.1, NM_001407654.1 and 1 more transcripts); c.5143A>C, p.Asn1715His (NM_001407656.1, NM_001407657.1, NM_001407658.1); and 72 more; short protein forms N1742H, N638H, N1763H, N1695H, N1445H, N1446H, N1588H, N1615H.
Identifiers: ClinVar variation 868199 (VCV000868199.13), dbSNP rs1597810828, ClinGen allele CA10591097.

ClinVar aggregate classification (germline): Uncertain significance (1 of 4 stars; one submission).

Conditions:
Hereditary breast ovarian cancer syndrome. Also called: Hereditary breast and ovarian cancer; Hereditary breast and ovarian cancer syndrome (HBOC); Breast and ovarian cancer; Hereditary breast and/or ovarian cancer syndrome; BRCA1- and BRCA2-Associated Hereditary Breast and Ovarian Cancer; Hereditary breast and ovarian cancer syndrome. Identifiers: Orphanet 145, MedGen C0677776, MeSH D061325, MONDO:0003582. Disease mechanism: loss of function.

Submissions (2):

Labcorp Genetics (formerly Invitae), Labcorp
Classification: Uncertain significance for Hereditary breast ovarian cancer syndrome. Last evaluated: 2023-05-09. Review status: criteria provided, single submitter. Criteria: Invitae Variant Classification Sherloc (09022015). Collection method: clinical testing. Allele origin: germline.
Comment: In summary, the available evidence is currently insufficient to determine the role of this variant in disease. Therefore, it has been classified as a Variant of Uncertain Significance. Experimental studies have shown that this missense change does not substantially affect BRCA1 function (PMID: 30209399). Advanced modeling performed at Invitae incorporating data from internal and/or published experimental studies (PMID: 30209399) indicates that this missense variant is not expected to disrupt BRCA1 function. ClinVar contains an entry for this variant (Variation ID: 868199). This variant has not been reported in the literature in individuals affected with BRCA1-related conditions. This variant is not present in population databases (gnomAD no frequency). This sequence change replaces asparagine, which is neutral and polar, with histidine, which is basic and polar, at codon 1742 of the BRCA1 protein (p.Asn1742His).

Brotman Baty Institute, University of Washington
No classification provided (evidence only). Condition: Breast-ovarian cancer, familial 1. Review status: no classification provided. Collection method: in vitro. Allele origin: not applicable. Functional consequence: functionally_normal. Not counted in ClinVar's aggregate classification.
ClinVar note: "not provided" was previously submitted as the classification for the variant. However, the classification appeared to be based only on an observation of functional data so it was converted to no classification on 2025-07-30.

Literature cited by the submitters: PubMed 30209399 (cited by Labcorp Genetics (formerly Invitae), Labcorp).